The following is an entry in ClinVar:

NM_213720.3(CHCHD10):c.121C>T (p.Gln41Ter)

Gene: CHCHD10 (coiled-coil-helix-coiled-coil-helix domain containing 10; minus strand). Cytogenetic location: 22q11.23.
Variant type: single nucleotide variant.
Coding change: c.121C>T on transcript NM_213720.3 (MANE Select); coding-DNA position 121, C replaced by T.
Protein change: p.Gln41Ter; replaces glutamine 41 with a stop codon.
Molecular consequence: nonsense. On other transcripts: non-coding transcript variant (1).
Genome position (GRCh38, 1-based): chr22:23,767,514, G>A on the plus strand (C>T on the coding strand, the complement: CHCHD10 is on the minus strand). VCF-style: chr22-23767514-G-A. GRCh37 (hg19) VCF-style: chr22-24109701-G-A.
Other names: p.Gln41*; c.121C>T, p.Gln41Ter (NM_001301339.2); short protein forms Q41*.
Identifiers: ClinVar variation 1752693 (VCV001752693.2), dbSNP rs1417119181, ClinGen allele CA410916637.

ClinVar aggregate classification (germline): Uncertain significance (1 of 4 stars; one submission).

Conditions:
Inborn genetic diseases. Identifiers: MedGen C0950123, MeSH D030342.

Allele frequency attached by ClinVar (database versions not stated): gnomAD 0.00001; TOPMed below 0.00001.

Submission:

Ambry Genetics
Classification: Uncertain significance for Inborn genetic diseases. Last evaluated: 2021-06-17. Review status: criteria provided, single submitter. Criteria: Ambry Variant Classification Scheme 2023. Collection method: clinical testing. Allele origin: germline.
Comment: The p.Q41* variant (also known as c.121C>T), located in coding exon 2 of the CHCHD10 gene, results from a C to T substitution at nucleotide position 121. This changes the amino acid from a glutamine to a stop codon within coding exon 2. This alteration is expected to result in premature protein truncation or nonsense-mediated mRNA decay. However, loss of function of CHCHD10 has not been clearly established as a mechanism of disease. Since supporting evidence is limited at this time, the clinical significance of this alteration remains unclear.